The following is an entry in ClinVar:

ClinVar aggregate classification (germline): Benign. Review status: criteria provided, multiple submitters, no conflicts (2 of 4 stars). 2 submissions from 2 submitters: Benign (2). Last evaluated 2018-06-14.

Allele frequency attached by ClinVar (database versions not stated): 1000 Genomes Project 0.15355; 1000 Genomes Project 30x 0.15693; gnomAD 0.22045 and 0.22881; gnomAD exomes 0.22047; TOPMed 0.23389.
gnomAD v4.1: 241,930 of 1,096,376 alleles (22%); highest among the groups gnomAD compares: Non-Finnish European, 25%; 28,914 homozygotes.

Submissions (2):

GeneDx
Classification: Benign. Last evaluated: 2018-06-14. Review status: criteria provided, single submitter. Criteria: GeneDx Variant Classification (06012015). Collection method: clinical testing. Allele origin: germline. Affected: yes.
Comment: This variant is considered likely benign or benign based on one or more of the following criteria: it is a conservative change, it occurs at a poorly conserved position in the protein, it is predicted to be benign by multiple in silico algorithms, and/or has population frequency not consistent with disease.

Breakthrough Genomics
Classification: Benign. Review status: criteria provided, single submitter. Criteria: ACMG Guidelines, 2015. Collection method: not provided. Allele origin: germline. Inheritance: Autosomal recessive inheritance. Affected: yes.

NM_002180.3(IGHMBP2):c.2612-123C>T

Gene: IGHMBP2 (immunoglobulin mu DNA binding protein 2; plus strand). Cytogenetic location: 11q13.3.
Variant type: single nucleotide variant.
Coding change: c.2612-123C>T on transcript NM_002180.3 (MANE Select); 123 bases into the intron before coding-DNA position 2612, C replaced by T.
Molecular consequence: intron variant.
Genome position (GRCh38, 1-based): chr11:68,938,059, C>T. VCF-style: chr11-68938059-C-T. GRCh37 (hg19) VCF-style: chr11-68705527-C-T.
Identifiers: ClinVar variation 681890 (VCV000681890.2), dbSNP rs3794031, ClinGen allele CA13420595.